The following is an entry in ClinVar:

ClinVar aggregate classification (germline): Conflicting classifications of pathogenicity. Review status: criteria provided, conflicting classifications (1 of 4 stars). 2 submissions from 2 submitters: Likely pathogenic (1); Uncertain significance (1). Last evaluated 2024-12-09.

Conditions:
RASopathy. Also called: rasopathies; Noonan spectrum disorder. Identifiers: Orphanet 536391, MedGen C5555857, MONDO:0021060.

gnomAD v4.1: 1 of 1,613,898 alleles (0.000062%); highest among the groups gnomAD compares: Non-Finnish European, 0.000085%; no homozygotes.

Submissions (2):

Labcorp Genetics (formerly Invitae), Labcorp
Classification: Uncertain significance for RASopathy. Last evaluated: 2024-12-09. Review status: criteria provided, single submitter. Criteria: Invitae Variant Classification Sherloc (09022015). Collection method: clinical testing. Allele origin: germline.
Comment: This sequence change replaces glycine, which is neutral and non-polar, with cysteine, which is neutral and slightly polar, at codon 415 of the CBL protein (p.Gly415Cys). This variant is not present in population databases (gnomAD no frequency). This variant has not been reported in the literature in individuals affected with CBL-related conditions. Invitae Evidence Modeling of protein sequence and biophysical properties (such as structural, functional, and spatial information, amino acid conservation, physicochemical variation, residue mobility, and thermodynamic stability) indicates that this missense variant is expected to disrupt CBL protein function with a positive predictive value of 95%. In summary, the available evidence is currently insufficient to determine the role of this variant in disease. Therefore, it has been classified as a Variant of Uncertain Significance.

GeneDx
Classification: Likely pathogenic. Last evaluated: 2024-10-31. Review status: criteria provided, single submitter. Criteria: GeneDx Variant Classification Process June 2021. Collection method: clinical testing. Allele origin: germline. Affected: yes.
Comment: Not observed at significant frequency in large population cohorts (gnomAD); In silico analysis supports that this missense variant has a deleterious effect on protein structure/function; Has not been previously published as pathogenic or benign to our knowledge; This variant is associated with the following publications: (PMID: 20619386, 22315494)

NM_005188.4(CBL):c.1243G>T (p.Gly415Cys)

Gene: CBL (Cbl proto-oncogene; plus strand). Cytogenetic location: 11q23.3.
Variant type: single nucleotide variant.
Coding change: c.1243G>T on transcript NM_005188.4 (MANE Select); coding-DNA position 1243, G replaced by T.
Protein change: p.Gly415Cys; replaces glycine 415 with cysteine.
Molecular consequence: missense variant.
Genome position (GRCh38, 1-based): chr11:119,278,525, G>T. VCF-style: chr11-119278525-G-T. GRCh37 (hg19) VCF-style: chr11-119149235-G-T.
Other names: c.1243G>T (NM_005188.2); short protein forms G415C.
Identifiers: ClinVar variation 3670738 (VCV003670738.3).